The following is an entry in ClinVar:

ClinVar aggregate classification (germline): Uncertain significance (1 of 4 stars; one submission).

Submission:

GeneDx
Classification: Uncertain significance. Last evaluated: 2024-09-04. Review status: criteria provided, single submitter. Criteria: GeneDx Variant Classification Process June 2021. Collection method: clinical testing. Allele origin: germline. Affected: yes.
Comment: Not observed at significant frequency in large population cohorts (gnomAD); In silico analysis indicates that this missense variant does not alter protein structure/function; Has not been previously published as pathogenic or benign to our knowledge

NM_001378183.1(PIEZO2):c.1816G>A (p.Ala606Thr)

Gene: PIEZO2 (piezo type mechanosensitive ion channel component 2; minus strand). Cytogenetic location: 18p11.22.
Variant type: single nucleotide variant.
Coding change: c.1816G>A on transcript NM_001378183.1 (MANE Select); coding-DNA position 1816, G replaced by A.
Protein change: p.Ala606Thr; replaces alanine 606 with threonine.
Molecular consequence: missense variant.
Genome position (GRCh38, 1-based): chr18:10,791,267, C>T on the plus strand (G>A on the coding strand, the complement: PIEZO2 is on the minus strand). VCF-style: chr18-10791267-C-T. GRCh37 (hg19) VCF-style: chr18-10791265-C-T.
Other names: c.1816G>A, p.Ala606Thr (NM_001410871.1, NM_022068.4); short protein forms A606T.
Identifiers: ClinVar variation 3767727 (VCV003767727.1).